The following is an entry in ClinVar:

NM_032040.5(CCDC8):c.1605A>C (p.Glu535Asp)

Gene: CCDC8 (coiled-coil domain containing 8; minus strand). Cytogenetic location: 19q13.32.
Variant type: single nucleotide variant.
Coding change: c.1605A>C on transcript NM_032040.5 (MANE Select); coding-DNA position 1605, A replaced by C.
Protein change: p.Glu535Asp; replaces glutamic acid 535 with aspartic acid.
Molecular consequence: missense variant.
Genome position (GRCh38, 1-based): chr19:46,411,206, T>G on the plus strand (A>C on the coding strand, the complement: CCDC8 is on the minus strand). VCF-style: chr19-46411206-T-G. GRCh37 (hg19) VCF-style: chr19-46914463-T-G.
Other names: short protein forms E535D.
Identifiers: ClinVar variation 1343719 (VCV001343719.4), dbSNP rs146060947, ClinGen allele CA9528436.
Genomic context (GRCh38, chr19:46,411,206, plus strand): 5'-CCTCCCACACTTGGAGGGAGGGCCCGTGGGCTGTCTCTAGCCCTCACCTCACAGCTGGTC[T>G]TCTTGCTCTCCCTGCTCAGCTTCTGCTCTGGCCTCGGCCCTCAGCACCCTGAGGTTCCTG-3'
Protein context (NP_114429.2, residues 525-538): ARAEAEQGEQ[Glu535Asp]DQL

ClinVar aggregate classification (germline): Uncertain significance. Review status: criteria provided, multiple submitters, no conflicts (2 of 4 stars). 2 submissions from 2 submitters: Uncertain significance (2). Last evaluated 2022-10-25.

Allele frequency attached by ClinVar (database versions not stated): gnomAD 0.00017 and 0.00018; TOPMed 0.00020; gnomAD exomes 0.00024 and 0.00027; ExAC 0.00035; ESP Exome Variant Server 0.00062.

Submissions (2):

Labcorp Genetics (formerly Invitae), Labcorp
Classification: Uncertain significance. Last evaluated: 2022-10-25. Review status: criteria provided, single submitter. Criteria: Invitae Variant Classification Sherloc (09022015). Collection method: clinical testing. Allele origin: germline.
Comment: This sequence change replaces glutamic acid, which is acidic and polar, with aspartic acid, which is acidic and polar, at codon 535 of the CCDC8 protein (p.Glu535Asp). This variant is present in population databases (rs146060947, gnomAD 0.08%). This variant has not been reported in the literature in individuals affected with CCDC8-related conditions. ClinVar contains an entry for this variant (Variation ID: 1343719). Algorithms developed to predict the effect of missense changes on protein structure and function are either unavailable or do not agree on the potential impact of this missense change (SIFT: "Deleterious"; PolyPhen-2: "Not Available"; Align-GVGD: "Class C0"). In summary, the available evidence is currently insufficient to determine the role of this variant in disease. Therefore, it has been classified as a Variant of Uncertain Significance.

Women's Health and Genetics/Laboratory Corporation of America, LabCorp
Classification: Uncertain significance. Last evaluated: 2022-02-18. Review status: criteria provided, single submitter. Criteria: LabCorp Variant Classification Summary - May 2015. Collection method: clinical testing. Allele origin: germline.